The following is an entry in ClinVar:

NM_004771.4(MMP20):c.616G>A (p.Asp206Asn)

Gene: MMP20 (matrix metallopeptidase 20; minus strand). Cytogenetic location: 11q22.2.
Variant type: single nucleotide variant.
Coding change: c.616G>A on transcript NM_004771.4 (MANE Select); coding-DNA position 616, G replaced by A.
Protein change: p.Asp206Asn; replaces aspartic acid 206 with asparagine.
Molecular consequence: missense variant.
Genome position (GRCh38, 1-based): chr11:102,609,938, C>T on the plus strand (G>A on the coding strand, the complement: MMP20 is on the minus strand). VCF-style: chr11-102609938-C-T. GRCh37 (hg19) VCF-style: chr11-102480669-C-T.
Other names: short protein forms D206N.
Identifiers: ClinVar variation 5007762 (VCV005007762.2).

ClinVar aggregate classification (germline): Uncertain significance (1 of 4 stars; one submission).

Conditions:
Amelogenesis imperfecta hypomaturation type 2A2. Also called: Amelogenesis imperfecta, hypomaturation type, IIA2; Amelogenesis imperfecta, type IIA2; AMELOGENESIS IMPERFECTA, PIGMENTED HYPOMATURATION TYPE, 2. Identifiers: Orphanet 88661, MedGen C2675858, MONDO:0012926, OMIM 612529. Disease mechanism: loss of function.

Submission:

Juno Genomics, Hangzhou Juno Genomics, Inc
Classification: Uncertain significance for Amelogenesis imperfecta hypomaturation type 2A2. Review status: criteria provided, single submitter. Criteria: ACMG Guidelines, 2015. Collection method: clinical testing. Allele origin: germline.
Comment: Absent from controls (or at extremely low frequency if recessive) in Genome Aggregation Database.;For recessive disorders, detected in trans with a pathogenic variant.;Patient's phenotype or family history is highly specific for a disease with a single genetic etiology.